The following is an entry in ClinVar:

NM_023077.3(COA7):c.143G>A (p.Arg48Gln)

Gene: COA7 (cytochrome c oxidase assembly factor 7; minus strand). Cytogenetic location: 1p32.3.
Variant type: single nucleotide variant.
Coding change: c.143G>A on transcript NM_023077.3 (MANE Select); coding-DNA position 143, G replaced by A.
Protein change: p.Arg48Gln; replaces arginine 48 with glutamine.
Molecular consequence: missense variant.
Genome position (GRCh38, 1-based): chr1:52,692,831, C>T on the plus strand (G>A on the coding strand, the complement: COA7 is on the minus strand). VCF-style: chr1-52692831-C-T. GRCh37 (hg19) VCF-style: chr1-53158503-C-T.
Other names: short protein forms R48Q.
Identifiers: ClinVar variation 717674 (VCV000717674.47), dbSNP rs12134752, ClinGen allele CA855701.

ClinVar aggregate classification (germline): Likely benign. Review status: criteria provided, multiple submitters, no conflicts (2 of 4 stars). 6 submissions from 6 submitters: Likely benign (5). 1 of the submissions does not count toward it. Last evaluated 2026-02-03.

Conditions:
COA7-related disorder. Also called: COA7-related condition.

Allele frequency attached by ClinVar (database versions not stated): 1000 Genomes Project 30x 0.00078; 1000 Genomes Project 0.00100; gnomAD exomes 0.00210 and 0.00278; TOPMed 0.00215; gnomAD 0.00223 and 0.00232; ExAC 0.00243; ESP Exome Variant Server 0.00254.
gnomAD v4.1: 4,345 of 1,614,102 alleles (0.27%); highest among the groups gnomAD compares: Non-Finnish European, 0.32%; 9 homozygotes.

Submissions (6):

Women's Health and Genetics/Laboratory Corporation of America, LabCorp
Classification: Likely benign. Last evaluated: 2026-02-03. Review status: criteria provided, single submitter. Criteria: LabCorp Variant Classification Summary - May 2015. Collection method: clinical testing. Allele origin: germline.
Comment: Variant summary: COA7 c.143G>A (p.Arg48Gln) results in a conservative amino acid change in the encoded protein sequence. Algorithms developed to predict the effect of missense changes on protein structure and function all suggest that this variant is likely to be tolerated. The variant allele was found at a frequency of 0.0021 in 251434 control chromosomes, predominantly at a frequency of 0.0031 within the European subpopulation in the gnomAD database. The observed variant frequency exceeds the estimated maximal expected allele frequency for disease-causing variants in COA7. To our knowledge, no occurrence of c.143G>A in individuals affected with COA7-related conditions and no experimental evidence demonstrating its impact on protein function have been reported. ClinVar contains an entry for this variant (Variation ID: 717674). Based on the evidence outlined above, the variant was classified as likely benign.

Labcorp Genetics (formerly Invitae), Labcorp
Classification: Likely benign. Last evaluated: 2025-12-16. Review status: criteria provided, single submitter. Criteria: Invitae Variant Classification Sherloc (09022015). Collection method: clinical testing. Allele origin: germline.

CeGaT Center for Human Genetics Tuebingen
Classification: Likely benign. Last evaluated: 2025-11-01. Review status: criteria provided, single submitter. Criteria: CeGaT Center For Human Genetics Tuebingen Variant Classification Criteria Version 2. Collection method: clinical testing. Allele origin: germline. Affected: yes. Observed: 11 variant alleles.
Comment: COA7: BP4, BS2

Blueprint Genetics
Classification: Likely benign. Last evaluated: 2024-11-22. Review status: criteria provided, single submitter. Criteria: ACMG Guidelines, 2015. Collection method: clinical testing. Allele origin: germline.

Breakthrough Genomics
Classification: Likely benign. Review status: criteria provided, single submitter. Criteria: ACMG Guidelines, 2015. Collection method: not provided. Allele origin: germline. Inheritance: Autosomal recessive inheritance. Affected: yes.

PreventionGenetics, part of Exact Sciences
Classification: Likely benign for COA7-related condition. Last evaluated: 2024-01-05. Review status: no assertion criteria provided. Collection method: clinical testing. Allele origin: germline. Not counted in ClinVar's aggregate classification.
Comment: This variant is classified as likely benign based on ACMG/AMP sequence variant interpretation guidelines (Richards et al. 2015 PMID: 25741868, with internal and published modifications).